The following is an entry in ClinVar:

ClinVar aggregate classification (germline): Uncertain significance. Review status: criteria provided, multiple submitters, no conflicts (2 of 4 stars). 3 submissions from 3 submitters: Uncertain significance (3). Last evaluated 2025-04-12.

Conditions:
Inborn genetic diseases. Identifiers: MedGen C0950123, MeSH D030342.
Fanconi anemia (FA). Also called: Fanconi's anemia. Identifiers: Orphanet 84, MedGen C0015625, MeSH D005199, MONDO:0019391.

Allele frequency attached by ClinVar (database versions not stated): gnomAD exomes below 0.00001.
gnomAD v4.1: 1 of 1,613,574 alleles (0.000062%); highest among the groups gnomAD compares: Non-Finnish European, 0.000085%; no homozygotes.

Submissions (3):

Ambry Genetics
Classification: Uncertain significance for Inborn genetic diseases. Last evaluated: 2025-04-12. Review status: criteria provided, single submitter. Criteria: Ambry Variant Classification Scheme 2023. Collection method: clinical testing. Allele origin: germline.
Comment: The p.D974G variant (also known as c.2921A>G), located in coding exon 14 of the FANCM gene, results from an A to G substitution at nucleotide position 2921. The aspartic acid at codon 974 is replaced by glycine, an amino acid with similar properties. This amino acid position is conserved. In addition, this alteration is predicted to be tolerated by in silico analysis. Based on the available evidence, the clinical significance of this variant remains unclear.

Labcorp Genetics (formerly Invitae), Labcorp
Classification: Uncertain significance for Fanconi anemia. Last evaluated: 2024-03-16. Review status: criteria provided, single submitter. Criteria: Invitae Variant Classification Sherloc (09022015). Collection method: clinical testing. Allele origin: germline.
Comment: This sequence change replaces aspartic acid, which is acidic and polar, with glycine, which is neutral and non-polar, at codon 974 of the FANCM protein (p.Asp974Gly). This variant is present in population databases (no rsID available, gnomAD 0.0009%). This variant has not been reported in the literature in individuals affected with FANCM-related conditions. ClinVar contains an entry for this variant (Variation ID: 2161321). An algorithm developed to predict the effect of missense changes on protein structure and function (PolyPhen-2) suggests that this variant is likely to be tolerated. In summary, the available evidence is currently insufficient to determine the role of this variant in disease. Therefore, it has been classified as a Variant of Uncertain Significance.

GeneDx
Classification: Uncertain significance. Last evaluated: 2023-10-04. Review status: criteria provided, single submitter. Criteria: GeneDx Variant Classification Process June 2021. Collection method: clinical testing. Allele origin: germline. Affected: yes.
Comment: Not observed at significant frequency in large population cohorts (gnomAD); In silico analysis supports that this missense variant does not alter protein structure/function; Has not been previously published as pathogenic or benign to our knowledge

NM_020937.4(FANCM):c.2921A>G (p.Asp974Gly)

Gene: FANCM (FA complementation group M; plus strand). Cytogenetic location: 14q21.2.
Variant type: single nucleotide variant.
Coding change: c.2921A>G on transcript NM_020937.4 (MANE Select); coding-DNA position 2921, A replaced by G.
Protein change: p.Asp974Gly; replaces aspartic acid 974 with glycine.
Molecular consequence: missense variant.
Genome position (GRCh38, 1-based): chr14:45,175,675, A>G. VCF-style: chr14-45175675-A-G. GRCh37 (hg19) VCF-style: chr14-45644878-A-G.
Other names: c.2843A>G, p.Asp948Gly (NM_001308133.2); short protein forms D974G, D948G.
Identifiers: ClinVar variation 2161321 (VCV002161321.6), dbSNP rs1000806466, ClinGen allele CA259627973.